The following is an entry in ClinVar:

NM_016333.4(SRRM2):c.6780_6863del (p.Ala2263_Pro2290del)

Gene: SRRM2 (serine/arginine repetitive matrix 2; plus strand). Cytogenetic location: 16p13.3.
Variant type: Deletion.
Coding change: c.6780_6863del on transcript NM_016333.4 (MANE Select); coding-DNA positions 6780 to 6863, 84 bases deleted.
Protein change: p.Ala2263_Pro2290del.
Molecular consequence: inframe deletion.
Genome position (GRCh38, 1-based): chr16:2,767,308-2,767,391, 84 bases deleted. GRCh37 (hg19): chr16:2,817,309-2,817,392.
Identifiers: ClinVar variation 2504969 (VCV002504969.1), dbSNP rs2505614386, ClinGen allele CA2580613404.

ClinVar aggregate classification (germline): Uncertain significance (1 of 4 stars; one submission).

Submission:

GeneDx
Classification: Uncertain significance. Last evaluated: 2022-12-08. Review status: criteria provided, single submitter. Criteria: GeneDx Variant Classification Process June 2021. Collection method: clinical testing. Allele origin: germline. Affected: yes.
Comment: Not observed at significant frequency in large population cohorts (gnomAD); In-frame deletion of 28 amino acids in a non-repeat region; In silico analysis supports a deleterious effect on protein structure/function; Has not been previously published as pathogenic or benign to our knowledge